The following is an entry in ClinVar:

NM_006514.4(SCN10A):c.460G>T (p.Glu154Ter)

Gene: SCN10A (sodium voltage-gated channel alpha subunit 10; minus strand). Cytogenetic location: 3p22.2.
Variant type: single nucleotide variant.
Coding change: c.460G>T on transcript NM_006514.4 (MANE Select); coding-DNA position 460, G replaced by T.
Protein change: p.Glu154Ter; replaces glutamic acid 154 with a stop codon.
Molecular consequence: nonsense.
Genome position (GRCh38, 1-based): chr3:38,788,966, C>A on the plus strand (G>T on the coding strand, the complement: SCN10A is on the minus strand). VCF-style: chr3-38788966-C-A. GRCh37 (hg19) VCF-style: chr3-38830457-C-A.
Other names: c.460G>T, p.Glu154Ter (NM_001293306.2, NM_001293307.2); short protein forms E154*.
Identifiers: ClinVar variation 2628990 (VCV002628990.1), dbSNP rs2470885527, ClinGen allele CA352159805.

ClinVar aggregate classification (germline): Uncertain significance (1 of 4 stars; one submission).

Conditions:
SCN10A-related disorder. Also called: SCN10A-related condition.

Submission:

PreventionGenetics, part of Exact Sciences
Classification: Uncertain significance for SCN10A-related condition. Last evaluated: 2023-02-06. Review status: criteria provided, single submitter. Criteria: ACMG Guidelines, 2015. Collection method: clinical testing. Allele origin: germline.
Comment: The SCN10A c.460G>T variant is predicted to result in premature protein termination (p.Glu154*). To our knowledge, this variant has not been reported in the literature or in a large population database, indicating this variant is rare. At this time, the clinical significance of this variant is uncertain due to the absence of conclusive functional and genetic evidence.